The following is an entry in ClinVar:

ClinVar aggregate classification (germline): Uncertain significance. Review status: criteria provided, multiple submitters, no conflicts (2 of 4 stars). 2 submissions from 2 submitters: Uncertain significance (2). Last evaluated 2024-10-29.

Conditions:
Inborn genetic diseases. Identifiers: MedGen C0950123, MeSH D030342.

Allele frequency attached by ClinVar (database versions not stated): ExAC 0.00002; gnomAD 0.00005; TOPMed 0.00005; ESP Exome Variant Server 0.00015.
gnomAD v4.1: 107 of 1,613,860 alleles (0.0066%); highest among the groups gnomAD compares: African/African-American, 0.017%; no homozygotes.

Submissions (2):

Labcorp Genetics (formerly Invitae), Labcorp
Classification: Uncertain significance. Last evaluated: 2024-10-29. Review status: criteria provided, single submitter. Criteria: Invitae Variant Classification Sherloc (09022015). Collection method: clinical testing. Allele origin: germline.
Comment: This sequence change replaces asparagine, which is neutral and polar, with aspartic acid, which is acidic and polar, at codon 125 of the SKIV2L protein (p.Asn125Asp). This variant is present in population databases (rs149150657, gnomAD 0.02%). This variant has not been reported in the literature in individuals affected with SKIV2L-related conditions. ClinVar contains an entry for this variant (Variation ID: 2172714). An algorithm developed to predict the effect of missense changes on protein structure and function outputs the following: PolyPhen-2: "Benign". The aspartic acid amino acid residue is found in multiple mammalian species, which suggests that this missense change does not adversely affect protein function. In summary, the available evidence is currently insufficient to determine the role of this variant in disease. Therefore, it has been classified as a Variant of Uncertain Significance.

Ambry Genetics
Classification: Uncertain significance for Inborn genetic diseases. Last evaluated: 2021-08-09. Review status: criteria provided, single submitter. Criteria: Ambry Variant Classification Scheme 2023. Collection method: clinical testing. Allele origin: germline.

NM_006929.5(SKIC2):c.373A>G (p.Asn125Asp)

Gene: SKIC2 (SKI2 subunit of superkiller complex; plus strand). Cytogenetic location: 6p21.33.
Variant type: single nucleotide variant.
Coding change: c.373A>G on transcript NM_006929.5 (MANE Select); coding-DNA position 373, A replaced by G.
Protein change: p.Asn125Asp; replaces asparagine 125 with aspartic acid.
Molecular consequence: missense variant.
Genome position (GRCh38, 1-based): chr6:31,960,450, A>G. VCF-style: chr6-31960450-A-G. GRCh37 (hg19) VCF-style: chr6-31928227-A-G.
Other names: c.373A>G (NM_006929.4); short protein forms N125D.
Identifiers: ClinVar variation 2172714 (VCV002172714.3), dbSNP rs149150657, ClinGen allele CA3729133.